The following is an entry in ClinVar:

NM_007118.4(TRIO):c.8623G>A (p.Gly2875Ser)

Gene: TRIO (trio Rho guanine nucleotide exchange factor; plus strand). Cytogenetic location: 5p15.2.
Variant type: single nucleotide variant.
Coding change: c.8623G>A on transcript NM_007118.4 (MANE Select); coding-DNA position 8623, G replaced by A.
Protein change: p.Gly2875Ser; replaces glycine 2875 with serine.
Molecular consequence: missense variant. On other transcripts: non-coding transcript variant (1).
Genome position (GRCh38, 1-based): chr5:14,507,132, G>A. VCF-style: chr5-14507132-G-A. GRCh37 (hg19) VCF-style: chr5-14507241-G-A.
Other names: short protein forms G2875S.
Identifiers: ClinVar variation 3371742 (VCV003371742.1).

ClinVar aggregate classification (germline): Uncertain significance (1 of 4 stars; one submission).

Submission:

GeneDx
Classification: Uncertain significance. Last evaluated: 2024-04-01. Review status: criteria provided, single submitter. Criteria: GeneDx Variant Classification Process June 2021. Collection method: clinical testing. Allele origin: germline. Affected: yes.
Comment: Not observed at significant frequency in large population cohorts (gnomAD); In silico analysis supports that this missense variant has a deleterious effect on protein structure/function; Has not been previously published as pathogenic or benign to our knowledge